The following is an entry in ClinVar:

ClinVar aggregate classification (germline): Uncertain significance (1 of 4 stars; one submission).

gnomAD v4.1: 20 of 1,613,816 alleles (0.0012%); highest among the groups gnomAD compares: South Asian, 0.0022%; no homozygotes.

Submission:

Labcorp Genetics (formerly Invitae), Labcorp
Classification: Uncertain significance. Last evaluated: 2022-09-01. Review status: criteria provided, single submitter. Criteria: Invitae Variant Classification Sherloc (09022015). Collection method: clinical testing. Allele origin: germline.
Comment: In summary, the available evidence is currently insufficient to determine the role of this variant in disease. Therefore, it has been classified as a Variant of Uncertain Significance. Algorithms developed to predict the effect of missense changes on protein structure and function are either unavailable or do not agree on the potential impact of this missense change (SIFT: "Not Available"; PolyPhen-2: "Probably Damaging"; Align-GVGD: "Not Available"). ClinVar contains an entry for this variant (Variation ID: 1521045). This variant has not been reported in the literature in individuals affected with MYO18B-related conditions. This variant is present in population databases (no rsID available, gnomAD 0.0009%). This sequence change replaces arginine, which is basic and polar, with leucine, which is neutral and non-polar, at codon 2027 of the MYO18B protein (p.Arg2027Leu).

NM_032608.7(MYO18B):c.6080G>T (p.Arg2027Leu)

Gene: MYO18B (myosin XVIIIB; plus strand). Cytogenetic location: 22q12.1.
Variant type: single nucleotide variant.
Coding change: c.6080G>T on transcript NM_032608.7 (MANE Select); coding-DNA position 6080, G replaced by T.
Protein change: p.Arg2027Leu; replaces arginine 2027 with leucine.
Molecular consequence: missense variant.
Genome position (GRCh38, 1-based): chr22:25,955,288, G>T. VCF-style: chr22-25955288-G-T. GRCh37 (hg19) VCF-style: chr22-26351254-G-T.
Other names: c.6083G>T, p.Arg2028Leu (NM_001318245.2); short protein forms R2027L, R2028L.
Identifiers: ClinVar variation 1521045 (VCV001521045.6), dbSNP rs755068887, ClinGen allele CA411009279.
Genomic context (GRCh38, chr22:25,955,288, plus strand): 5'-TTTCACAGGCGGCCACCTCCGAGTCCCAGCAGCGGGAGAGCAGCCAGTACTACCAGCGGC[G>T]CCTGGAAGAGCTGAAGGCCGACATGGAAGAGCTGGTGCAGCGGGAGGCAGAGGCCAGCCG-3'
Protein context (NP_115997.5, residues 2017-2037): QRESSQYYQR[Arg2027Leu]LEELKADMEE